The following is an entry in ClinVar:

NM_007315.4(STAT1):c.1221+95G>A

Gene: STAT1 (signal transducer and activator of transcription 1; minus strand). Cytogenetic location: 2q32.2.
Variant type: single nucleotide variant.
Coding change: c.1221+95G>A on transcript NM_007315.4 (MANE Select); 95 bases into the intron after coding-DNA position 1221, G replaced by A.
Molecular consequence: intron variant.
Genome position (GRCh38, 1-based): chr2:190,986,759, C>T on the plus strand (G>A on the coding strand, the complement: STAT1 is on the minus strand). VCF-style: chr2-190986759-C-T. GRCh37 (hg19) VCF-style: chr2-191851485-C-T.
Other names: c.1131+95G>A (NM_001384890.1); c.1122+95G>A (NM_001384883.1); c.1062+95G>A (NM_001384885.1); c.1128+95G>A (NM_001384887.1); c.1161+95G>A (NM_001384880.1); c.1191+95G>A (NM_001384888.1); c.1215+95G>A (NM_001384882.1); c.1221+95G>A (NM_001384889.1, NM_001384886.1, NM_139266.3); and 2 more.
Identifiers: ClinVar variation 2628270 (VCV002628270.2), dbSNP rs2066799, ClinGen allele CA62672566.

ClinVar aggregate classification (germline): Benign (1 of 4 stars; one submission).

Allele frequency attached by ClinVar (database versions not stated): gnomAD 0.04270; TOPMed 0.04634; 1000 Genomes Project 30x 0.06340; 1000 Genomes Project 0.06490.
gnomAD v4.1: 58,844 of 1,184,584 alleles (5%); highest among the groups gnomAD compares: Admixed American, 16%; 2,294 homozygotes.

Submission:

Unidad de Genómica Garrahan, Hospital de Pediatría Garrahan
Classification: Benign. Last evaluated: 2023-11-12. Review status: criteria provided, single submitter. Criteria: ACMG Guidelines, 2015. Collection method: clinical testing. Allele origin: germline. Affected: no. Observed: 23 variant alleles.
Comment: This variant is classified as Benign based on local population frequency. This variant was detected in 24% of patients studied by a panel of primary immunodeficiencies. Number of patients: 23. Only high quality variants are reported.